The following is an entry in ClinVar:

NM_005591.4(MRE11):c.20dup (p.Asp8Ter)

Gene: MRE11 (MRE11 double strand break repair nuclease; minus strand). Cytogenetic location: 11q21.
Variant type: Duplication.
Coding change: c.20dup on transcript NM_005591.4 (MANE Select); coding-DNA position 20, one base duplicated (T; older notation c.20dupT).
Protein change: p.Asp8Ter; replaces aspartic acid 8 with a stop codon.
Molecular consequence: nonsense. On other transcripts: frameshift variant (1).
Genome position (GRCh38, 1-based): chr11:94,492,782, A duplicated on the plus strand (T on the coding strand, the reverse complement: MRE11 is on the minus strand). VCF-style (leftmost placement, unchanged base first): chr11-94492781-C-CA. GRCh37 (hg19) VCF-style: chr11-94225947-C-CA.
Other names: c.20dup, p.Asp8Ter (NM_001330347.2, NM_005590.4); c.20dupT (NM_005591.3); short protein forms D8*.
Identifiers: ClinVar variation 3295809 (VCV003295809.1).

ClinVar aggregate classification (germline): Likely pathogenic (1 of 4 stars; one submission).

Conditions:
Hereditary cancer-predisposing syndrome. Also called: Tumor predisposition; Hereditary Cancer Syndrome; Hereditary neoplastic syndrome; Neoplastic Syndromes, Hereditary. Identifiers: Orphanet 140162, MedGen C0027672, MeSH D009386, MONDO:0015356.

Submission:

Ambry Genetics
Classification: Likely pathogenic for Hereditary cancer-predisposing syndrome. Last evaluated: 2024-04-16. Review status: criteria provided, single submitter. Criteria: Ambry Variant Classification Scheme 2023. Collection method: clinical testing. Allele origin: germline.
Comment: The c.20dupT variant, located in coding exon 1 of the MRE11A gene, results from a duplication of T at nucleotide position 20, causing a translational frameshift with a predicted alternate stop codon (p.D8*). The predicted stop codon occurs in the 5&rsquo; end of theMRE11A gene. Premature termination codons in the 5&rsquo; end of a gene have been reported to escape nonsense-mediated mRNAdecay and/or lead to re-initiation (Rivas et al. Science. 2015 May 8;348(6235):666-9; Lindeboom et al. Nat Genet. 2016 Oct;48(10):1112-8; Rhee et al. Sci Rep. 2017 May 10;7(1):1653). Direct evidence for this alteration is unavailable, however premature termination codons are typically deleterious in nature. Based on the majority of available evidence to date, this variant is likely to be pathogenic.